The following is an entry in ClinVar:

NM_000540.3(RYR1):c.13498G>T (p.Glu4500Ter)

Gene: RYR1 (ryanodine receptor 1; plus strand). Cytogenetic location: 19q13.2.
Variant type: single nucleotide variant.
Coding change: c.13498G>T on transcript NM_000540.3 (MANE Select); coding-DNA position 13498, G replaced by T.
Protein change: p.Glu4500Ter; replaces glutamic acid 4500 with a stop codon.
Molecular consequence: nonsense.
Genome position (GRCh38, 1-based): chr19:38,566,971, G>T. VCF-style: chr19-38566971-G-T. GRCh37 (hg19) VCF-style: chr19-39057611-G-T.
Other names: c.13483G>T, p.Glu4495Ter (NM_001042723.2); short protein forms E4495*, E4500*.
Identifiers: ClinVar variation 659408 (VCV000659408.6), dbSNP rs752192756, ClinGen allele CA405676525.

ClinVar aggregate classification (germline): Pathogenic (1 of 4 stars; one submission).

Conditions:
RYR1-related disorder. Also called: RYR1-related disorders; RYR1-related condition. Identifiers: MedGen CN239331.

Submission:

Labcorp Genetics (formerly Invitae), Labcorp
Classification: Pathogenic for RYR1-related disorder. Last evaluated: 2018-12-05. Review status: criteria provided, single submitter. Criteria: Invitae Variant Classification Sherloc (09022015). Collection method: clinical testing. Allele origin: germline.
Comment: For these reasons, this variant has been classified as Pathogenic. Loss-of-function variants in RYR1 are known to be pathogenic (PMID: 20583297, 23919265). This variant has not been reported in the literature in individuals with RYR1-related conditions. This variant is not present in population databases (ExAC no frequency). This sequence change creates a premature translational stop signal (p.Glu4500*) in the RYR1 gene. It is expected to result in an absent or disrupted protein product.

Literature cited by the submitters: PubMed 20583297; PubMed 23919265.